The following is an entry in ClinVar:

NM_000742.4(CHRNA2):c.563C>A (p.Thr188Asn)

Gene: CHRNA2 (cholinergic receptor nicotinic alpha 2 subunit; minus strand). Cytogenetic location: 8p21.2.
Variant type: single nucleotide variant.
Coding change: c.563C>A on transcript NM_000742.4 (MANE Select); coding-DNA position 563, C replaced by A.
Protein change: p.Thr188Asn; replaces threonine 188 with asparagine.
Molecular consequence: missense variant. On other transcripts: intron variant (2).
Genome position (GRCh38, 1-based): chr8:27,463,880, G>T on the plus strand (C>A on the coding strand, the complement: CHRNA2 is on the minus strand). VCF-style: chr8-27463880-G-T. GRCh37 (hg19) VCF-style: chr8-27321397-G-T.
Other names: c.518C>A, p.Thr173Asn (NM_001282455.2); c.86C>A, p.Thr29Asn (NM_001347705.2, NM_001347706.2); c.-12-20C>A (NM_001347708.2); c.-9-23C>A (NM_001347707.2); short protein forms T173N, T188N, T29N.
Identifiers: ClinVar variation 1718290 (VCV001718290.5), dbSNP rs756175616, ClinGen allele CA4689629.

ClinVar aggregate classification (germline): Uncertain significance (1 of 4 stars; one submission).

Conditions:
Familial sleep-related hypermotor epilepsy. Also called: Autosomal Dominant Sleep-Related Hypermotor (Hyperkinetic) Epilepsy. Identifiers: Orphanet 98784, MedGen C3696898, MONDO:0000030.

Allele frequency attached by ClinVar (database versions not stated): ExAC 0.00001; gnomAD 0.00001.
gnomAD v4.1: 4 of 1,614,086 alleles (0.00025%); highest among the groups gnomAD compares: Non-Finnish European, 0.00034%; no homozygotes.

Submission:

Labcorp Genetics (formerly Invitae), Labcorp
Classification: Uncertain significance. Last evaluated: 2022-12-05. Review status: criteria provided, single submitter. Criteria: Invitae Variant Classification Sherloc (09022015). Collection method: clinical testing. Allele origin: germline.
Comment: ClinVar contains an entry for this variant (Variation ID: 1718290). This missense change has been observed in at least one individual who was not affected with CHRNA2-related conditions (Invitae). This variant has not been reported in the literature in individuals affected with CHRNA2-related conditions. This variant is present in population databases (rs756175616, gnomAD 0.0009%). This sequence change replaces threonine, which is neutral and polar, with asparagine, which is neutral and polar, at codon 188 of the CHRNA2 protein (p.Thr188Asn). Advanced modeling of protein sequence and biophysical properties (such as structural, functional, and spatial information, amino acid conservation, physicochemical variation, residue mobility, and thermodynamic stability) has been performed at Invitae for this missense variant, however the output from this modeling did not meet the statistical confidence thresholds required to predict the impact of this variant on CHRNA2 protein function. In summary, the available evidence is currently insufficient to determine the role of this variant in disease. Therefore, it has been classified as a Variant of Uncertain Significance.